The following is an entry in ClinVar:

NM_001848.3(COL6A1):c.-40C>T

Gene: COL6A1 (collagen type VI alpha 1 chain; plus strand). Cytogenetic location: 21q22.3.
Variant type: single nucleotide variant.
Coding change: c.-40C>T on transcript NM_001848.3 (MANE Select); 40 bases upstream of the start codon, C replaced by T.
Molecular consequence: 5 prime UTR variant.
Genome position (GRCh38, 1-based): chr21:45,981,811, C>T. VCF-style: chr21-45981811-C-T. GRCh37 (hg19) VCF-style: chr21-47401725-C-T.
Identifiers: ClinVar variation 895551 (VCV000895551.4), dbSNP rs371842589, ClinGen allele CA10069404.

ClinVar aggregate classification (germline): Benign (1 of 4 stars; one submission).

Conditions:
Collagen 6-related myopathy. Identifiers: MedGen CN117976, MONDO:0100225.

Allele frequency attached by ClinVar (database versions not stated): gnomAD exomes 0.00005 and 0.00013; ESP Exome Variant Server 0.00043; gnomAD 0.00059 and 0.00064; 1000 Genomes Project 0.00060; 1000 Genomes Project 30x 0.00062; TOPMed 0.00064.
gnomAD v4.1: 166 of 1,513,232 alleles (0.011%); highest among the groups gnomAD compares: African/African-American, 0.2%; no homozygotes.

Submission:

Illumina Laboratory Services, Illumina
Classification: Benign for Collagen VI-related myopathy. Last evaluated: 2018-01-13. Review status: criteria provided, single submitter. Criteria: ICSL Variant Classification Criteria 13 December 2019. Collection method: clinical testing. Allele origin: germline.
Comment: This variant was observed in the ICSL laboratory as part of a predisposition screen in an ostensibly healthy population. It had not been previously curated by ICSL or reported in the Human Gene Mutation Database (HGMD: prior to June 1st, 2018), and was therefore a candidate for classification through an automated scoring system. Utilizing variant allele frequency, disease prevalence and penetrance estimates, and inheritance mode, an automated score was calculated to assess if this variant is too frequent to cause the disease. Based on the score and internal cut-off values, a variant classified as benign is not then subjected to further curation. The score for this variant resulted in a classification of benign for this disease.